The following is an entry in ClinVar:

NM_054027.6(ANKH):c.96+93C>T

Gene: ANKH (ANKH inorganic pyrophosphate transport regulator; minus strand). Cytogenetic location: 5p15.2.
Variant type: single nucleotide variant.
Coding change: c.96+93C>T on transcript NM_054027.6 (MANE Select); 93 bases into the intron after coding-DNA position 96, C replaced by T.
Molecular consequence: intron variant.
Genome position (GRCh38, 1-based): chr5:14,871,259, G>A on the plus strand (C>T on the coding strand, the complement: ANKH is on the minus strand). VCF-style: chr5-14871259-G-A. GRCh37 (hg19) VCF-style: chr5-14871368-G-A.
Identifiers: ClinVar variation 2655369 (VCV002655369.24), dbSNP rs540232490, ClinGen allele CA3209224.

ClinVar aggregate classification (germline): Benign (1 of 4 stars; one submission).

Allele frequency attached by ClinVar (database versions not stated): 1000 Genomes Project 0.00040; 1000 Genomes Project 30x 0.00062; ExAC 0.00088.
gnomAD v4.1: 877 of 1,082,352 alleles (0.081%); highest among the groups gnomAD compares: Non-Finnish European, 0.11%; 3 homozygotes.

Submission:

CeGaT Center for Human Genetics Tuebingen
Classification: Benign. Last evaluated: 2022-08-01. Review status: criteria provided, single submitter. Criteria: CeGaT Center For Human Genetics Tuebingen Variant Classification Criteria Version 2. Collection method: clinical testing. Allele origin: germline. Affected: yes. Observed: 1 variant allele.
Comment: ANKH: BS1, BS2